The following is an entry in ClinVar:

NM_201384.3(PLEC):c.4868_4888del (p.Ala1623_Arg1629del)

Gene: PLEC (plectin; minus strand). Cytogenetic location: 8q24.3.
Variant type: Deletion.
Coding change: c.4868_4888del on transcript NM_201384.3 (MANE Select); coding-DNA positions 4868 to 4888, 21 bases deleted (CGCGCGAGGAGGCAGAGCGGG).
Protein change: p.Ala1623_Arg1629del.
Molecular consequence: inframe deletion.
Genome position (GRCh38, 1-based): chr8:143,925,041-143,925,061, CCCGCTCTGCCTCCTCGCGCG deleted on the plus strand (CGCGCGAGGAGGCAGAGCGGG on the coding strand, the reverse complement: PLEC is on the minus strand); deleting any 21 consecutive bases within chr8:143,925,041-143,925,068 gives the same sequence; the c. name uses the placement nearest the transcript's 3' end. VCF-style (leftmost placement, unchanged base first): chr8-143925040-TCCCGCTCTGCCTCCTCGCGCG-T. GRCh37 (hg19) VCF-style: chr8-144999208-TCCCGCTCTGCCTCCTCGCGCG-T.
Other names: c.4949_4969del, p.Ala1650_Arg1656del (NM_000445.5); c.4826_4846del, p.Ala1609_Arg1615del (NM_201378.4); c.4802_4822del, p.Ala1601_Arg1607del (NM_201379.3); c.5279_5299del, p.Ala1760_Arg1766del (NM_201380.4); c.4772_4792del, p.Ala1591_Arg1597del (NM_201381.3); c.4868_4888del, p.Ala1623_Arg1629del (NM_201382.4); c.4880_4900del, p.Ala1627_Arg1633del (NM_201383.3).
Identifiers: ClinVar variation 1474727 (VCV001474727.8), dbSNP rs1436911149, ClinGen allele CA586158292.

ClinVar aggregate classification (germline): Uncertain significance (1 of 4 stars; one submission).

Conditions:
Autosomal recessive limb-girdle muscular dystrophy type 2Q (LGMDR17). Also called: MUSCULAR DYSTROPHY, LIMB-GIRDLE, AUTOSOMAL RECESSIVE 17. Identifiers: Orphanet 254361, MedGen C3150989, MONDO:0013390, OMIM 613723.
Epidermolysis bullosa simplex 5B, with muscular dystrophy (EBS5B). Also called: EPIDERMOLYSIS BULLOSA SIMPLEX AND LIMB-GIRDLE MUSCULAR DYSTROPHY; Epidermolysis bullosa simplex with muscular dystrophy. Identifiers: Orphanet 257, MedGen C2931072, MONDO:0009181, OMIM 226670.
Epidermolysis bullosa simplex, Ogna type (EBS5A). Also called: Pidermolysis bullosa simplex 5A, Ogna type; EPIDERMOLYSIS BULLOSA SIMPLEX 5A, OGNA TYPE. Identifiers: Orphanet 79401, MedGen C0432317, MONDO:0007555, OMIM 131950.
Epidermolysis bullosa simplex with nail dystrophy (EBS5D). Identifiers: MedGen C4225309, MONDO:0014661, OMIM 616487.
Epidermolysis bullosa simplex 5C, with pyloric atresia (EBS5C). Also called: Epidermolysis bullosa simplex with pyloric atresia; PLEC1-Related Epidermolysis Bullosa with Pyloric Atresia; PLEC-Related Epidermolysis Bullosa with Pyloric Atresia. Identifiers: Orphanet 158684, MedGen C2677349, MONDO:0012807, OMIM 612138.

Submission:

Labcorp Genetics (formerly Invitae), Labcorp
Classification: Uncertain significance for Autosomal recessive limb-girdle muscular dystrophy type 2Q; Epidermolysis bullosa simplex, Ogna type; Epidermolysis bullosa simplex with nail dystrophy; Epidermolysis bullosa simplex 5C, with pyloric atresia; Epidermolysis bullosa simplex 5B, with muscular dystrophy. Last evaluated: 2024-06-19. Review status: criteria provided, single submitter. Criteria: Invitae Variant Classification Sherloc (09022015). Collection method: clinical testing. Allele origin: germline.
Comment: This variant, c.4949_4969del, results in the deletion of 7 amino acid(s) of the PLEC protein (p.Ala1650_Arg1656del), but otherwise preserves the integrity of the reading frame. This variant is present in population databases (no rsID available, gnomAD 0.002%). This variant has not been reported in the literature in individuals affected with PLEC-related conditions. ClinVar contains an entry for this variant (Variation ID: 1474727). Experimental studies and prediction algorithms are not available or were not evaluated, and the functional significance of this variant is currently unknown. In summary, the available evidence is currently insufficient to determine the role of this variant in disease. Therefore, it has been classified as a Variant of Uncertain Significance.